The following is an entry in ClinVar:

ClinVar aggregate classification (germline): Uncertain significance (1 of 4 stars; one submission).

Conditions:
Mitochondrial complex II deficiency, nuclear type 1. Also called: SUCCINATE CoQ REDUCTASE DEFICIENCY. Identifiers: Orphanet 3208, MedGen C5700310, MONDO:0100294, OMIM 252011.
Pheochromocytoma/paraganglioma syndrome 5. Also called: Paragangliomas 5; SDHA-Related Hereditary Paraganglioma-Pheochromocytoma Syndrome. Identifiers: Orphanet 29072, MedGen C3279992, MONDO:0013602, OMIM 614165.

Submission:

Labcorp Genetics (formerly Invitae), Labcorp
Classification: Uncertain significance for Pheochromocytoma/paraganglioma syndrome 5; Mitochondrial complex II deficiency, nuclear type 1. Last evaluated: 2025-09-16. Review status: criteria provided, single submitter. Criteria: Invitae Variant Classification Sherloc (09022015). Collection method: clinical testing. Allele origin: germline.
Comment: This sequence change replaces glycine, which is neutral and non-polar, with valine, which is neutral and non-polar, at codon 529 of the SDHA protein (p.Gly529Val). This variant is not present in population databases (gnomAD no frequency). This variant has not been reported in the literature in individuals affected with SDHA-related conditions. Invitae Evidence Modeling of protein sequence and biophysical properties (such as structural, functional, and spatial information, amino acid conservation, physicochemical variation, residue mobility, and thermodynamic stability) has been performed for this missense variant. However, the output from this modeling did not meet the statistical confidence thresholds required to predict the impact of this variant on SDHA protein function. In summary, the available evidence is currently insufficient to determine the role of this variant in disease. Therefore, it has been classified as a Variant of Uncertain Significance.

NM_004168.4(SDHA):c.1586G>T (p.Gly529Val)

Gene: SDHA (succinate dehydrogenase complex flavoprotein subunit A; plus strand). Cytogenetic location: 5p15.33.
Variant type: single nucleotide variant.
Coding change: c.1586G>T on transcript NM_004168.4 (MANE Select); coding-DNA position 1586, G replaced by T.
Protein change: p.Gly529Val; replaces glycine 529 with valine.
Molecular consequence: missense variant. On other transcripts: intron variant (1).
Genome position (GRCh38, 1-based): chr5:251,026, G>T. VCF-style: chr5-251026-G-T. GRCh37 (hg19) VCF-style: chr5-251141-G-T.
Other names: c.1442G>T, p.Gly481Val (NM_001294332.2); c.1552-3367G>T (NM_001330758.2); short protein forms G481V, G529V.
Identifiers: ClinVar variation 4789766 (VCV004789766.1).